The following is an entry in ClinVar:

ClinVar aggregate classification (germline): Likely pathogenic (1 of 4 stars; one submission).

Submission:

Labcorp Genetics (formerly Invitae), Labcorp
Classification: Likely pathogenic. Last evaluated: 2025-08-02. Review status: criteria provided, single submitter. Criteria: Invitae Variant Classification Sherloc (09022015). Collection method: clinical testing. Allele origin: germline.
Comment: This sequence change replaces valine, which is neutral and non-polar, with glycine, which is neutral and non-polar, at codon 81 of the BEST1 protein (p.Val81Gly). This variant is not present in population databases (gnomAD no frequency). This variant has not been reported in the literature in individuals affected with BEST1-related conditions. Invitae Evidence Modeling of protein sequence and biophysical properties (such as structural, functional, and spatial information, amino acid conservation, physicochemical variation, residue mobility, and thermodynamic stability) indicates that this missense variant is expected to disrupt BEST1 protein function with a positive predictive value of 95%. This variant disrupts the p.Val81Met amino acid residue in BEST1. Other variant(s) that disrupt this residue have been determined to be pathogenic (PMID: 21109774, 26201355, 28687848, 31519547). This suggests that this residue is clinically significant, and that variants that disrupt this residue are likely to be disease-causing. In summary, the currently available evidence indicates that the variant is pathogenic, but additional data are needed to prove that conclusively. Therefore, this variant has been classified as Likely Pathogenic.

Literature cited by the submitters: PubMed 21109774; PubMed 26201355; PubMed 28687848; PubMed 31519547.

NM_004183.4(BEST1):c.242T>G (p.Val81Gly)

Gene: BEST1 (bestrophin 1; plus strand). Cytogenetic location: 11q12.3.
Variant type: single nucleotide variant.
Coding change: c.242T>G on transcript NM_004183.4 (MANE Select); coding-DNA position 242, T replaced by G.
Protein change: p.Val81Gly; replaces valine 81 with glycine.
Molecular consequence: missense variant. On other transcripts: non-coding transcript variant (1).
Genome position (GRCh38, 1-based): chr11:61,955,196, T>G. VCF-style: chr11-61955196-T-G. GRCh37 (hg19) VCF-style: chr11-61722668-T-G.
Other names: c.62T>G, p.Val21Gly (NM_001139443.3, NM_001300786.2, NM_001300787.2 and 3 more transcripts); c.242T>G, p.Val81Gly (NM_001363592.2, NM_001440571.1, NM_001440572.1 and 1 more transcripts); short protein forms V21G, V81G.
Identifiers: ClinVar variation 4800405 (VCV004800405.1).